The following is an entry in ClinVar:

ClinVar aggregate classification (germline): Uncertain significance. Review status: criteria provided, multiple submitters, no conflicts (2 of 4 stars). 3 submissions from 3 submitters: Uncertain significance (3). Last evaluated 2025-09-16.

Conditions:
Hereditary breast ovarian cancer syndrome. Also called: Hereditary breast and ovarian cancer syndrome; Hereditary breast and ovarian cancer; Hereditary breast and/or ovarian cancer syndrome; Breast and ovarian cancer; Hereditary breast and ovarian cancer syndrome (HBOC); BRCA1- and BRCA2-Associated Hereditary Breast and Ovarian Cancer. Identifiers: Orphanet 145, MedGen C0677776, MeSH D061325, MONDO:0003582. Disease mechanism: loss of function.
Hereditary cancer-predisposing syndrome. Also called: Tumor predisposition; Hereditary neoplastic syndrome; Neoplastic Syndromes, Hereditary; Hereditary Cancer Syndrome. Identifiers: Orphanet 140162, MedGen C0027672, MeSH D009386, MONDO:0015356.
Gastrointestinal stromal tumor. Also called: Gastrointestinal stroma tumor; Gastrointestinal stromal tumor, somatic. Identifiers: Orphanet 44890, MedGen C0238198, MeSH D046152, MONDO:0011719, OMIM 606764, HP:0100723.

gnomAD v4.1: 4 of 1,613,898 alleles (0.00025%); highest among the groups gnomAD compares: Non-Finnish European, 0.00034%; no homozygotes.

Submissions (3):

Labcorp Genetics (formerly Invitae), Labcorp
Classification: Uncertain significance for Gastrointestinal stromal tumor. Last evaluated: 2025-09-16. Review status: criteria provided, single submitter. Criteria: Invitae Variant Classification Sherloc (09022015). Collection method: clinical testing. Allele origin: germline.
Comment: This sequence change replaces leucine, which is neutral and non-polar, with proline, which is neutral and non-polar, at codon 17 of the KIT protein (p.Leu17Pro). This variant is not present in population databases (gnomAD no frequency). This variant has not been reported in the literature in individuals affected with KIT-related conditions. ClinVar contains an entry for this variant (Variation ID: 458951). An algorithm developed to predict the effect of missense changes on protein structure and function (PolyPhen-2) suggests that this variant is likely to be tolerated. In summary, the available evidence is currently insufficient to determine the role of this variant in disease. Therefore, it has been classified as a Variant of Uncertain Significance.

Ambry Genetics
Classification: Uncertain significance for Hereditary cancer-predisposing syndrome. Last evaluated: 2024-01-03. Review status: criteria provided, single submitter. Criteria: Ambry Variant Classification Scheme 2023. Collection method: clinical testing. Allele origin: germline.
Comment: The p.L17P variant (also known as c.50T>C), located in coding exon 1 of the KIT gene, results from a T to C substitution at nucleotide position 50. The leucine at codon 17 is replaced by proline, an amino acid with similar properties. This amino acid position is conserved. In addition, this alteration is predicted to be tolerated by in silico analysis. Since supporting evidence is limited at this time, the clinical significance of this alteration remains unclear.

Molecular Oncology Research Center, Barretos Cancer Hospital
Classification: Uncertain significance for Hereditary breast ovarian cancer syndrome. Last evaluated: 2020-08-01. Review status: criteria provided, single submitter. Criteria: ACMG Guidelines, 2015. Collection method: research. Allele origin: germline. Affected: yes. Observed: 1 variant allele.

NM_000222.3(KIT):c.50T>C (p.Leu17Pro)

Gene: KIT (KIT proto-oncogene, receptor tyrosine kinase; plus strand). Cytogenetic location: 4q12.
Variant type: single nucleotide variant.
Coding change: c.50T>C on transcript NM_000222.3 (MANE Select); coding-DNA position 50, T replaced by C.
Protein change: p.Leu17Pro; replaces leucine 17 with proline.
Molecular consequence: missense variant.
Genome position (GRCh38, 1-based): chr4:54,658,064, T>C. VCF-style: chr4-54658064-T-C. GRCh37 (hg19) VCF-style: chr4-55524231-T-C.
Other names: c.50T>C, p.Leu17Pro (NM_001093772.2, NM_001385284.1, NM_001385285.1 and 4 more transcripts); short protein forms L17P.
Identifiers: ClinVar variation 458951 (VCV000458951.13), dbSNP rs748615975, ClinGen allele CA356897989.
Genomic context (GRCh38, chr4:54,658,064, plus strand): 5'-CAGCTACCGCGATGAGAGGCGCTCGCGGCGCCTGGGATTTTCTCTGCGTTCTGCTCCTAC[T>C]GCTTCGCGTCCAGACAGGTGGGACACCGCGGCTGGCACCCCGACCGTGCGACTACTCGGC-3'
Protein context (NP_000213.1, residues 7-27): AWDFLCVLLL[Leu17Pro]LRVQTGSSQP